The following is an entry in ClinVar:

ClinVar aggregate classification (germline): Conflicting classifications of pathogenicity. Review status: criteria provided, conflicting classifications (1 of 4 stars). 3 submissions from 3 submitters: Uncertain significance (1); Likely benign (2). Last evaluated 2022-08-15.

Conditions:
Emery-Dreifuss muscular dystrophy 4, autosomal dominant (EDMD4). Also called: EMERY-DREIFUSS MUSCULAR DYSTROPHY 4 WITH VARIABLE FEATURES. Identifiers: Orphanet 261, MedGen C2751807, MONDO:0013071, OMIM 612998.
Autosomal recessive ataxia, Beauce type. Also called: SYNE1 Deficiency; Spinocerebellar ataxia, autosomal recessive 8; ATAXIA, RECESSIVE, OF BEAUCE; SYNE1-Related Autosomal Recessive Cerebellar Ataxia. Identifiers: Orphanet 88644, MedGen C1853116, MONDO:0012549, OMIM 610743.

Allele frequency attached by ClinVar (database versions not stated): gnomAD exomes below 0.00001; TOPMed 0.00004; gnomAD 0.00006 and 0.00007.
gnomAD v4.1: 12 of 1,614,100 alleles (0.00074%); highest among the groups gnomAD compares: African/African-American, 0.0093%; no homozygotes.

Submissions (3):

Labcorp Genetics (formerly Invitae), Labcorp
Classification: Likely benign for Emery-Dreifuss muscular dystrophy 4, autosomal dominant; Autosomal recessive ataxia, Beauce type. Last evaluated: 2022-08-15. Review status: criteria provided, single submitter. Criteria: Invitae Variant Classification Sherloc (09022015). Collection method: clinical testing. Allele origin: germline.

Eurofins Ntd Llc (ga)
Classification: Uncertain significance. Last evaluated: 2018-02-09. Review status: criteria provided, single submitter. Criteria: EGL ClinVar v180209 classification definitions. Collection method: clinical testing. Allele origin: germline. Observed: 1 variant allele, 1 heterozygote.

GeneDx
Classification: Likely benign. Last evaluated: 2017-09-26. Review status: criteria provided, single submitter. Criteria: GeneDx Variant Classification (06012015). Collection method: clinical testing. Allele origin: germline. Affected: yes.
Comment: This variant is considered likely benign or benign based on one or more of the following criteria: it is a conservative change, it occurs at a poorly conserved position in the protein, it is predicted to be benign by multiple in silico algorithms, and/or has population frequency not consistent with disease.

NM_182961.4(SYNE1):c.2991G>A (p.Leu997=)

Gene: SYNE1 (spectrin repeat containing nuclear envelope protein 1; minus strand). Cytogenetic location: 6q25.2.
Variant type: single nucleotide variant.
Coding change: c.2991G>A on transcript NM_182961.4 (MANE Select); coding-DNA position 2991, G replaced by A.
Protein change: p.Leu997=; no amino-acid change (leucine 997 retained).
Molecular consequence: synonymous variant.
Genome position (GRCh38, 1-based): chr6:152,453,622, C>T on the plus strand (G>A on the coding strand, the complement: SYNE1 is on the minus strand). VCF-style: chr6-152453622-C-T. GRCh37 (hg19) VCF-style: chr6-152774757-C-T.
Other names: c.3012G>A, p.Leu1004= (NM_033071.5).
Identifiers: ClinVar variation 512340 (VCV000512340.12), dbSNP rs1014746277, ClinGen allele CA150240412.